The following is an entry in ClinVar:

ClinVar aggregate classification (germline): Uncertain significance. Review status: criteria provided, multiple submitters, no conflicts (2 of 4 stars). 2 submissions from 2 submitters: Uncertain significance (2). Last evaluated 2023-10-16.

Conditions:
Hereditary breast ovarian cancer syndrome. Also called: BRCA1- and BRCA2-Associated Hereditary Breast and Ovarian Cancer; Hereditary breast and ovarian cancer; Hereditary breast and ovarian cancer syndrome (HBOC); Breast and ovarian cancer; Hereditary breast and ovarian cancer syndrome; Hereditary breast and/or ovarian cancer syndrome. Identifiers: Orphanet 145, MedGen C0677776, MeSH D061325, MONDO:0003582. Disease mechanism: loss of function.
Hereditary cancer-predisposing syndrome. Also called: Hereditary neoplastic syndrome; Tumor predisposition; Hereditary Cancer Syndrome; Neoplastic Syndromes, Hereditary. Identifiers: Orphanet 140162, MedGen C0027672, MeSH D009386, MONDO:0015356.

Submissions (2):

Labcorp Genetics (formerly Invitae), Labcorp
Classification: Uncertain significance for Hereditary breast ovarian cancer syndrome. Last evaluated: 2023-10-16. Review status: criteria provided, single submitter. Criteria: Invitae Variant Classification Sherloc (09022015). Collection method: clinical testing. Allele origin: germline.
Comment: This sequence change replaces glutamic acid, which is acidic and polar, with aspartic acid, which is acidic and polar, at codon 2236 of the BRCA2 protein (p.Glu2236Asp). This variant is not present in population databases (gnomAD no frequency). This variant has not been reported in the literature in individuals affected with BRCA2-related conditions. Advanced modeling of protein sequence and biophysical properties (such as structural, functional, and spatial information, amino acid conservation, physicochemical variation, residue mobility, and thermodynamic stability) performed at Invitae indicates that this missense variant is not expected to disrupt BRCA2 protein function. In summary, the available evidence is currently insufficient to determine the role of this variant in disease. Therefore, it has been classified as a Variant of Uncertain Significance.

Ambry Genetics
Classification: Uncertain significance for Hereditary cancer-predisposing syndrome. Last evaluated: 2023-08-07. Review status: criteria provided, single submitter. Criteria: Ambry Variant Classification Scheme 2023. Collection method: clinical testing. Allele origin: germline.
Comment: The p.E2236D variant (also known as c.6708A>C), located in coding exon 10 of the BRCA2 gene, results from an A to C substitution at nucleotide position 6708. The glutamic acid at codon 2236 is replaced by aspartic acid, an amino acid with highly similar properties. This amino acid position is conserved. In addition, the in silico prediction for this alteration is inconclusive. Since supporting evidence is limited at this time, the clinical significance of this alteration remains unclear.

NM_000059.4(BRCA2):c.6708A>C (p.Glu2236Asp)

Gene: BRCA2 (BRCA2 DNA repair associated; plus strand). Cytogenetic location: 13q13.1.
Variant type: single nucleotide variant.
Coding change: c.6708A>C on transcript NM_000059.4 (MANE Select); coding-DNA position 6708, A replaced by C.
Protein change: p.Glu2236Asp; replaces glutamic acid 2236 with aspartic acid.
Molecular consequence: missense variant. On other transcripts: non-coding transcript variant (1), intron variant (2).
Genome position (GRCh38, 1-based): chr13:32,341,063, A>C. VCF-style: chr13-32341063-A-C. GRCh37 (hg19) VCF-style: chr13-32915200-A-C.
Other names: c.6708A>C, p.Glu2236Asp (NM_001406719.1, NM_001406720.1); c.1910-3495A>C (NM_001406721.1); c.425-3495A>C (NM_001406722.1); short protein forms E2236D.
Identifiers: ClinVar variation 2586306 (VCV002586306.5), dbSNP rs2137529997, ClinGen allele CA387790979.